The following is an entry in ClinVar:

ClinVar aggregate classification (germline): Uncertain significance (1 of 4 stars; one submission).

Submission:

Labcorp Genetics (formerly Invitae), Labcorp
Classification: Uncertain significance. Last evaluated: 2023-08-30. Review status: criteria provided, single submitter. Criteria: Invitae Variant Classification Sherloc (09022015). Collection method: clinical testing. Allele origin: germline.
Comment: In summary, the available evidence is currently insufficient to determine the role of this variant in disease. Therefore, it has been classified as a Variant of Uncertain Significance. An algorithm developed to predict the effect of missense changes on protein structure and function (PolyPhen-2) suggests that this variant is likely to be tolerated. ClinVar contains an entry for this variant (Variation ID: 1351854). This variant has not been reported in the literature in individuals affected with ADGRA3-related conditions. This variant is not present in population databases (gnomAD no frequency). This sequence change replaces asparagine, which is neutral and polar, with serine, which is neutral and polar, at codon 604 of the ADGRA3 protein (p.Asn604Ser).

NM_145290.4(ADGRA3):c.1811A>G (p.Asn604Ser)

Gene: ADGRA3 (adhesion G protein-coupled receptor A3; minus strand). Cytogenetic location: 4p15.2.
Variant type: single nucleotide variant.
Coding change: c.1811A>G on transcript NM_145290.4 (MANE Select); coding-DNA position 1811, A replaced by G.
Protein change: p.Asn604Ser; replaces asparagine 604 with serine.
Molecular consequence: missense variant.
Genome position (GRCh38, 1-based): chr4:22,413,813, T>C on the plus strand (A>G on the coding strand, the complement: ADGRA3 is on the minus strand). VCF-style: chr4-22413813-T-C. GRCh37 (hg19) VCF-style: chr4-22415436-T-C.
Other names: short protein forms N604S.
Identifiers: ClinVar variation 1351854 (VCV001351854.8), dbSNP rs2109024634, ClinGen allele CA356480387.